The following is an entry in ClinVar:

ClinVar aggregate classification (germline): Benign. Review status: criteria provided, multiple submitters, no conflicts (2 of 4 stars). 6 submissions from 6 submitters: Benign (6). Last evaluated 2026-02-04.

Conditions:
Mitochondrial myopathy, episodic, with optic atrophy and reversible leukoencephalopathy. Also called: MITOCHONDRIAL MYOPATHY, EPISODIC, WITH OR WITHOUT OPTIC ATROPHY AND REVERSIBLE LEUKOENCEPHALOPATHY; MULTIPLE MITOCHONDRIAL DYSFUNCTIONS SYNDROME 8. Identifiers: MedGen C5193223, MONDO:0020714, OMIM 251900.

Allele frequency attached by ClinVar (database versions not stated): ESP Exome Variant Server 0.46874; gnomAD exomes 0.48465; 1000 Genomes Project 0.49281; 1000 Genomes Project 30x 0.49313; TOPMed 0.51553; gnomAD 0.51844 and 0.52347; ExAC 0.56755.
gnomAD v4.1: 756,407 of 1,576,718 alleles (48%); highest among the groups gnomAD compares: African/African-American, 61%; 183,379 homozygotes.

Submissions (6):

Labcorp Genetics (formerly Invitae), Labcorp
Classification: Benign. Last evaluated: 2026-02-04. Review status: criteria provided, single submitter. Criteria: Invitae Variant Classification Sherloc (09022015). Collection method: clinical testing. Allele origin: germline.

Blueprint Genetics
Classification: Benign. Last evaluated: 2024-11-28. Review status: criteria provided, single submitter. Criteria: ACMG Guidelines, 2015. Collection method: clinical testing. Allele origin: germline.

Mayo Clinic Laboratories, Mayo Clinic
Classification: Benign. Last evaluated: 2022-10-27. Review status: criteria provided, single submitter. Criteria: ACMG Guidelines, 2015. Collection method: clinical testing. Allele origin: germline. Observed: 625 variant alleles.

Genome-Nilou Lab
Classification: Benign for Mitochondrial myopathy, episodic, with optic atrophy and reversible leukoencephalopathy. Last evaluated: 2021-08-10. Review status: criteria provided, single submitter. Criteria: ACMG Guidelines, 2015. Collection method: clinical testing. Allele origin: germline. Affected: no.

GeneDx
Classification: Benign. Last evaluated: 2015-12-04. Review status: criteria provided, single submitter. Criteria: GeneDx Variant Classification (06012015). Collection method: clinical testing. Allele origin: germline. Affected: yes.
Comment: This variant is considered likely benign or benign based on one or more of the following criteria: it is a conservative change, it occurs at a poorly conserved position in the protein, it is predicted to be benign by multiple in silico algorithms, and/or has population frequency not consistent with disease.

Breakthrough Genomics
Classification: Benign. Review status: criteria provided, single submitter. Criteria: ACMG Guidelines, 2015. Collection method: not provided. Allele origin: germline. Inheritance: Autosomal recessive inheritance. Affected: yes.

NM_001397406.1(FDX2):c.159T>G (p.Ala53=)

Genes: FDX2 (ferredoxin 2; minus strand), FDX2-ZGLP1 (FDX2-ZGLP1 readthrough (NMD candidate); minus strand), LOC130063486 (ATAC-STARR-seq lymphoblastoid silent region 10064; plus strand). Cytogenetic location: 19p13.2.
Variant type: single nucleotide variant.
Coding change: c.159T>G on transcript NM_001397406.1 (MANE Select); coding-DNA position 159, T replaced by G.
Protein change: p.Ala53=; no amino-acid change (alanine 53 retained).
Molecular consequence: synonymous variant. On other transcripts: non-coding transcript variant (2).
Genome position (GRCh38, 1-based): chr19:10,315,746, A>C on the plus strand (T>G on the coding strand, the complement: FDX2 is on the minus strand). VCF-style: chr19-10315746-A-C. GRCh37 (hg19) VCF-style: chr19-10426422-A-C.
Other names: p.Ala56=; c.168T>G, p.Ala56= (NM_001031734.4).
Identifiers: ClinVar variation 380038 (VCV000380038.15), dbSNP rs378395, ClinGen allele CA9191309.
Genomic context (GRCh38, chr19:10,315,746, plus strand): 5'-CTTGGCCCCCTGCACTCACACGTCCCCGGGCCGCTCCGGGCCGCCCGCGTCCTCCTCTCC[A>C]GCCGGGCGCGAGCCTGGAAAACACGGTTCGGTGAGCGGCTGCGCCGAGCCCCGCCCCGCC-3'
Protein context (NP_001384335.1, residues 43-63): RKFQATGSRP[Ala53=]GEEDAGGPER